The following is an entry in ClinVar:

ClinVar aggregate classification (germline): Conflicting classifications of pathogenicity. Review status: criteria provided, conflicting classifications (1 of 4 stars). 8 submissions from 8 submitters: Uncertain significance (1); Benign (4); Likely benign (2). 1 of the submissions does not count toward it. Last evaluated 2026-09-01.

Conditions:
Myopathy, centronuclear, 2 (CNM2). Also called: MYOTUBULAR MYOPATHY, AUTOSOMAL RECESSIVE. Identifiers: Orphanet 169186, MedGen CN031787, MONDO:0009709, OMIM 255200.

Allele frequency attached by ClinVar (database versions not stated): 1000 Genomes Project 0.00260; 1000 Genomes Project 30x 0.00265; gnomAD exomes 0.00367 and 0.00812; TOPMed 0.00391; gnomAD 0.00400 and 0.00403; ESP Exome Variant Server 0.00477; ExAC 0.00621.
gnomAD v4.1: 12,204 of 1,590,438 alleles (0.77%); highest among the groups gnomAD compares: Non-Finnish European, 0.98%; 69 homozygotes.

Submissions (8):

CeGaT Center for Human Genetics Tuebingen
Classification: Likely benign. Last evaluated: 2026-09-01. Review status: criteria provided, single submitter. Criteria: CeGaT Center For Human Genetics Tuebingen Variant Classification Criteria Version 2. Collection method: clinical testing. Allele origin: germline. Affected: yes. Observed: 12 variant alleles.
Comment: BIN1: BP4, BP7, BS2

Labcorp Genetics (formerly Invitae), Labcorp
Classification: Benign for Myopathy, centronuclear, 2. Last evaluated: 2026-01-26. Review status: criteria provided, single submitter. Criteria: Invitae Variant Classification Sherloc (09022015). Collection method: clinical testing. Allele origin: germline.

Blueprint Genetics
Classification: Likely benign. Last evaluated: 2024-11-25. Review status: criteria provided, single submitter. Criteria: ACMG Guidelines, 2015. Collection method: clinical testing. Allele origin: germline.

Mayo Clinic Laboratories, Mayo Clinic
Classification: Benign. Last evaluated: 2024-09-25. Review status: criteria provided, single submitter. Criteria: ACMG Guidelines, 2015. Collection method: clinical testing. Allele origin: germline. Observed: 17 variant alleles.
Comment: BA1, BP4, BP7

Illumina Laboratory Services, Illumina
Classification: Uncertain significance for Myopathy, centronuclear, 2. Last evaluated: 2018-01-13. Review status: criteria provided, single submitter. Criteria: ICSL Variant Classification Criteria 13 December 2019. Collection method: clinical testing. Allele origin: germline.

GeneDx
Classification: Benign. Last evaluated: 2017-01-19. Review status: criteria provided, single submitter. Criteria: GeneDx Variant Classification (06012015). Collection method: clinical testing. Allele origin: germline. Affected: yes.
Comment: This variant is considered likely benign or benign based on one or more of the following criteria: it is a conservative change, it occurs at a poorly conserved position in the protein, it is predicted to be benign by multiple in silico algorithms, and/or has population frequency not consistent with disease.

PreventionGenetics, part of Exact Sciences
Classification: Benign. Review status: criteria provided, single submitter. Criteria: ACMG Guidelines, 2015. Collection method: clinical testing. Allele origin: germline.

Genetic Services Laboratory, University of Chicago
Classification: Likely benign. Review status: no assertion criteria provided. Collection method: clinical testing. Allele origin: germline. Inheritance: Autosomal recessive inheritance. Not counted in ClinVar's aggregate classification.
Comment: Likely benign based on allele frequency in 1000 Genomes Project or ESP global frequency and its presence in a patient with a rare or unrelated disease phenotype. NOT Sanger confirmed

NM_139343.3(BIN1):c.888C>T (p.Ser296=)

Gene: BIN1 (bridging integrator 1; minus strand). Cytogenetic location: 2q14.3.
Variant type: single nucleotide variant.
Coding change: c.888C>T on transcript NM_139343.3 (MANE Select); coding-DNA position 888, C replaced by T.
Protein change: p.Ser296=; no amino-acid change (serine 296 retained).
Molecular consequence: synonymous variant.
Genome position (GRCh38, 1-based): chr2:127,059,125, G>A on the plus strand (C>T on the coding strand, the complement: BIN1 is on the minus strand). VCF-style: chr2-127059125-G-A. GRCh37 (hg19) VCF-style: chr2-127816701-G-A.
Other names: p.Ser296=; c.840C>T, p.Ser280= (NM_001320632.2, NM_004305.4, NM_139346.3); c.888C>T, p.Ser296= (NM_001320633.2, NM_001320640.2, NM_139344.3 and 1 more transcripts); c.723C>T, p.Ser241= (NM_001320634.1); c.795C>T, p.Ser265= (NM_001320641.2, NM_139347.3, NM_139348.3 and 3 more transcripts); c.807C>T, p.Ser269= (NM_001320642.1).
Identifiers: ClinVar variation 158021 (VCV000158021.51), dbSNP rs114833236, ClinGen allele CA171410.